The following is an entry in ClinVar:

ClinVar aggregate classification (germline): Pathogenic (1 of 4 stars; one submission).

Conditions:
X-linked Alport syndrome (ATS1). Also called: NEPHROPATHY AND DEAFNESS, X-LINKED; COL4A5-Related Nephropathy. Identifiers: Orphanet 63, Orphanet 88917, MedGen C4746986, MONDO:0010520, OMIM 301050.

Submission:

Myriad Genetics, Inc.
Classification: Pathogenic for X-linked Alport syndrome. Last evaluated: 2023-09-03. Review status: criteria provided, single submitter. Criteria: Myriad Autosomal Dominant, Autosomal Recessive and X-Linked Classification Criteria (2023). Collection method: clinical testing. Allele origin: unknown.
Comment: NM_000495.4(COL4A5):c.4487_4488insGA(R1497Kfs*52) is expected to be pathogenic in the context of X-linked Alport syndrome. This variant is predicted to lead to an abnormal or absent protein product due to the creation of a premature termination codon in COL4A5, a gene where loss-of-function variants are known to be pathogenic. Please note: this variant was assessed in the context of healthy population screening.

NM_033380.3(COL4A5):c.4505_4506insGA (p.Arg1503fs)

Gene: COL4A5 (collagen type IV alpha 5 chain; plus strand). Cytogenetic location: Xq22.3.
Variant type: Insertion.
Coding change: c.4505_4506insGA on transcript NM_033380.3 (MANE Select); coding-DNA positions 4505 to 4506, GA inserted.
Protein change: p.Arg1503fs; shifts the reading frame from arginine 1503.
Molecular consequence: frameshift variant.
Genome position: GRCh38 VCF-style: chrX-108687670-A-AAG. GRCh37 (hg19) VCF-style: chrX-107930900-A-AAG.
Other names: c.4487_4488insGA, p.Arg1497fs (NM_000495.5); short protein forms R1497fs, R1503fs.
Identifiers: ClinVar variation 5011533 (VCV005011533.1).